The following is an entry in ClinVar:

NM_016120.4(RLIM):c.169+6C>T

Gene: RLIM (ring finger protein, LIM domain interacting; minus strand). Cytogenetic location: Xq13.2.
Variant type: single nucleotide variant.
Coding change: c.169+6C>T on transcript NM_016120.4 (MANE Select); 6 bases into the intron after coding-DNA position 169, C replaced by T.
Molecular consequence: intron variant.
Genome position (GRCh38, 1-based): chrX:74,595,803, G>A on the plus strand (C>T on the coding strand, the complement: RLIM is on the minus strand). VCF-style: chrX-74595803-G-A. GRCh37 (hg19) VCF-style: chrX-73815638-G-A.
Other names: c.169+6C>T (NM_183353.3).
Identifiers: ClinVar variation 2660929 (VCV002660929.24), dbSNP rs756161056, ClinGen allele CA10454773.
Genomic context (GRCh38, chrX:74,595,803, plus strand): 5'-GGTTCAAGCATTTTTTTTTAAACCAGCAACTTACACTTATAAATCCTTAAATATATGTAA[G>A]CATACCTGGGGTGCCTAGCAAATTGTTATCTCTCATAAGCCTATAATCTTCTTCACTCAG-3'

ClinVar aggregate classification (germline): Likely benign (1 of 4 stars; one submission).

Allele frequency attached by ClinVar (database versions not stated): ExAC 0.00005; TOPMed 0.00005; gnomAD 0.00010; gnomAD exomes 0.00010.
gnomAD v4.1: 117 of 1,171,327 alleles (0.01%); highest among the groups gnomAD compares: Non-Finnish European, 0.013%; no homozygotes.

Submission:

CeGaT Center for Human Genetics Tuebingen
Classification: Likely benign. Last evaluated: 2022-12-01. Review status: criteria provided, single submitter. Criteria: CeGaT Center For Human Genetics Tuebingen Variant Classification Criteria Version 2. Collection method: clinical testing. Allele origin: germline. Affected: yes. Observed: 1 variant allele.
Comment: RLIM: BP4, BS2